The following is an entry in ClinVar:

ClinVar aggregate classification (germline): Benign/Likely benign. Review status: criteria provided, multiple submitters, no conflicts (2 of 4 stars). 3 submissions from 3 submitters: Benign (1); Likely benign (2). Last evaluated 2025-02-03.

Conditions:
Hereditary nonpolyposis colorectal neoplasms. Identifiers: MedGen C0009405, MeSH D003123.
Hereditary cancer-predisposing syndrome. Also called: Tumor predisposition; Neoplastic Syndromes, Hereditary; Hereditary Cancer Syndrome; Hereditary neoplastic syndrome. Identifiers: Orphanet 140162, MedGen C0027672, MeSH D009386, MONDO:0015356.
Lynch syndrome 4 (LYNCH4). Also called: Colorectal cancer, hereditary nonpolyposis, type 4; Hereditary non-polyposis colorectal cancer, type 4. Identifiers: Orphanet 144, MedGen C1838333, MONDO:0013699, OMIM 614337. Disease mechanism: loss of function.

Submissions (3):

Myriad Genetics, Inc.
Classification: Benign for Lynch syndrome 4. Last evaluated: 2025-02-03. Review status: criteria provided, single submitter. Criteria: Myriad Autosomal Dominant, Autosomal Recessive and X-Linked Classification Criteria (2023). Collection method: clinical testing. Allele origin: unknown.
Comment: This variant is considered benign. This variant is a silent/synonymous amino acid change and it is not expected to impact splicing.

Labcorp Genetics (formerly Invitae), Labcorp
Classification: Likely benign for Hereditary nonpolyposis colorectal neoplasms. Last evaluated: 2023-05-22. Review status: criteria provided, single submitter. Criteria: Invitae Variant Classification Sherloc (09022015). Collection method: clinical testing. Allele origin: germline.

Ambry Genetics
Classification: Likely benign for Hereditary cancer-predisposing syndrome. Last evaluated: 2021-01-05. Review status: criteria provided, single submitter. Criteria: Ambry Variant Classification Scheme 2023. Collection method: clinical testing. Allele origin: germline.

NM_000535.7(PMS2):c.2013G>T (p.Thr671=)

Gene: PMS2 (PMS1 homolog 2, mismatch repair system component; minus strand). Cytogenetic location: 7p22.1.
Variant type: single nucleotide variant.
Coding change: c.2013G>T on transcript NM_000535.7 (MANE Select); coding-DNA position 2013, G replaced by T.
Protein change: p.Thr671=; no amino-acid change (threonine 671 retained).
Molecular consequence: synonymous variant. On other transcripts: non-coding transcript variant (1).
Genome position (GRCh38, 1-based): chr7:5,982,985, C>A on the plus strand (G>T on the coding strand, the complement: PMS2 is on the minus strand). VCF-style: chr7-5982985-C-A. GRCh37 (hg19) VCF-style: chr7-6022616-C-A.
Other names: c.2013G>T, p.Thr671= (NM_001322014.2); c.1704G>T, p.Thr568= (NM_001322015.2); c.1608G>T, p.Thr536= (NM_001322003.2, NM_001322004.2, NM_001322005.2 and 1 more transcripts); c.1857G>T, p.Thr619= (NM_001322006.2); c.1695G>T, p.Thr565= (NM_001322007.2, NM_001322008.2); c.1452G>T, p.Thr484= (NM_001322010.2); c.1080G>T, p.Thr360= (NM_001322011.2, NM_001322012.2); c.1440G>T, p.Thr480= (NM_001322013.2).
Identifiers: ClinVar variation 765638 (VCV000765638.14), dbSNP rs771513870, ClinGen allele CA453643577.